The following is an entry in ClinVar:

NM_001100913.3(PACS2):c.960G>A (p.Arg320=)

Gene: PACS2 (phosphofurin acidic cluster sorting protein 2; plus strand). Cytogenetic location: 14q32.33.
Variant type: single nucleotide variant.
Coding change: c.960G>A on transcript NM_001100913.3 (MANE Select); coding-DNA position 960, G replaced by A.
Protein change: p.Arg320=; no amino-acid change (arginine 320 retained).
Molecular consequence: synonymous variant.
Genome position (GRCh38, 1-based): chr14:105,379,739, G>A. VCF-style: chr14-105379739-G-A. GRCh37 (hg19) VCF-style: chr14-105846076-G-A.
Other names: c.735G>A, p.Arg245= (NM_001243127.3); c.960G>A, p.Arg320= (NM_015197.4).
Identifiers: ClinVar variation 4720674 (VCV004720674.1).

ClinVar aggregate classification (germline): Uncertain significance (1 of 4 stars; one submission).

Submission:

Labcorp Genetics (formerly Invitae), Labcorp
Classification: Uncertain significance. Last evaluated: 2025-06-03. Review status: criteria provided, single submitter. Criteria: Invitae Variant Classification Sherloc (09022015). Collection method: clinical testing. Allele origin: germline.
Comment: This sequence change affects codon 320 of the PACS2 mRNA. It is a 'silent' change, meaning that it does not change the encoded amino acid sequence of the PACS2 protein. It affects a nucleotide within the consensus splice site. This variant is not present in population databases (gnomAD no frequency). This variant has not been reported in the literature in individuals affected with PACS2-related conditions. Algorithms developed to predict the effect of sequence changes on RNA splicing suggest that this variant is not likely to affect RNA splicing. In summary, the available evidence is currently insufficient to determine the role of this variant in disease. Therefore, it has been classified as a Variant of Uncertain Significance.